The following is an entry in ClinVar:

NM_017999.5(RNF31):c.1268C>G (p.Ser423Trp)

Gene: RNF31 (ring finger protein 31; plus strand). Cytogenetic location: 14q12.
Variant type: single nucleotide variant.
Coding change: c.1268C>G on transcript NM_017999.5 (MANE Select); coding-DNA position 1268, C replaced by G.
Protein change: p.Ser423Trp; replaces serine 423 with tryptophan.
Molecular consequence: missense variant.
Genome position (GRCh38, 1-based): chr14:24,150,668, C>G. VCF-style: chr14-24150668-C-G. GRCh37 (hg19) VCF-style: chr14-24619877-C-G.
Other names: c.815C>G, p.Ser272Trp (NM_001310332.2); short protein forms S272W, S423W.
Identifiers: ClinVar variation 1415587 (VCV001415587.6), dbSNP rs375081171, ClinGen allele CA7125732.

ClinVar aggregate classification (germline): Uncertain significance (1 of 4 stars; one submission).

Allele frequency attached by ClinVar (database versions not stated): TOPMed 0.00003; ESP Exome Variant Server 0.00008.
gnomAD v4.1: 15 of 1,614,096 alleles (0.00093%); highest among the groups gnomAD compares: African/African-American, 0.0067%; no homozygotes.

Submission:

Labcorp Genetics (formerly Invitae), Labcorp
Classification: Uncertain significance. Last evaluated: 2025-10-05. Review status: criteria provided, single submitter. Criteria: Invitae Variant Classification Sherloc (09022015). Collection method: clinical testing. Allele origin: germline.
Comment: This sequence change replaces serine, which is neutral and polar, with tryptophan, which is neutral and slightly polar, at codon 423 of the RNF31 protein (p.Ser423Trp). This variant is present in population databases (rs375081171, gnomAD 0.02%). This variant has not been reported in the literature in individuals affected with RNF31-related conditions. ClinVar contains an entry for this variant (Variation ID: 1415587). An algorithm developed to predict the effect of missense changes on protein structure and function (PolyPhen-2) suggests that this variant is likely to be disruptive. In summary, the available evidence is currently insufficient to determine the role of this variant in disease. Therefore, it has been classified as a Variant of Uncertain Significance.